The following is an entry in ClinVar:

ClinVar aggregate classification (germline): Uncertain significance (1 of 4 stars; one submission).

Conditions:
Epidermodysplasia verruciformis. Identifiers: Orphanet 302, MedGen C0014522, MONDO:0009176.

Allele frequency attached by ClinVar (database versions not stated): gnomAD exomes below 0.00001; TOPMed below 0.00001.
gnomAD v4.1: 5 of 1,580,432 alleles (0.00032%); highest among the groups gnomAD compares: South Asian, 0.0011%; no homozygotes.

Submission:

Labcorp Genetics (formerly Invitae), Labcorp
Classification: Uncertain significance for Epidermodysplasia verruciformis. Last evaluated: 2022-08-31. Review status: criteria provided, single submitter. Criteria: Invitae Variant Classification Sherloc (09022015). Collection method: clinical testing. Allele origin: germline.
Comment: This sequence change replaces glutamic acid, which is acidic and polar, with lysine, which is basic and polar, at codon 71 of the TMC6 protein (p.Glu71Lys). This variant is not present in population databases (gnomAD no frequency). This variant has not been reported in the literature in individuals affected with TMC6-related conditions. ClinVar contains an entry for this variant (Variation ID: 1391829). Algorithms developed to predict the effect of missense changes on protein structure and function are either unavailable or do not agree on the potential impact of this missense change (SIFT: "Not Available"; PolyPhen-2: "Benign"; Align-GVGD: "Not Available"). In summary, the available evidence is currently insufficient to determine the role of this variant in disease. Therefore, it has been classified as a Variant of Uncertain Significance.

NM_001127198.5(TMC6):c.211G>A (p.Glu71Lys)

Gene: TMC6 (transmembrane channel like 6; minus strand). Cytogenetic location: 17q25.3.
Variant type: single nucleotide variant.
Coding change: c.211G>A on transcript NM_001127198.5 (MANE Select); coding-DNA position 211, G replaced by A.
Protein change: p.Glu71Lys; replaces glutamic acid 71 with lysine.
Molecular consequence: missense variant. On other transcripts: non-coding transcript variant (4).
Genome position (GRCh38, 1-based): chr17:78,126,337, C>T on the plus strand (G>A on the coding strand, the complement: TMC6 is on the minus strand). VCF-style: chr17-78126337-C-T. GRCh37 (hg19) VCF-style: chr17-76122418-C-T.
Other names: c.211G>A, p.Glu71Lys (NM_001321185.1, NM_001374593.1, NM_001374594.1 and 4 more transcripts); short protein forms E71K.
Identifiers: ClinVar variation 1391829 (VCV001391829.5), dbSNP rs1181277338, ClinGen allele CA401236137.
Genomic context (GRCh38, chr17:78,126,337, plus strand): 5'-CAATGGTGCGGCTGGGCATGCTGGCCAGGATGCGGAGTGTGGCCGTGCTCTGGGTGCCCT[C>T]GGGCCGCCAGAGTGTCTGCTGGCTACTTCCTACAAAGCAAGAAAGACTCACCAGGGGTCC-3'
Protein context (NP_001120670.1, residues 61-81): GSSQQTLWRP[Glu71Lys]GTQSTATLRI